The following is an entry in ClinVar:

NM_000038.6(APC):c.2587_2589del (p.Tyr863del)

Gene: APC (APC regulator of Wnt signaling pathway; plus strand). Cytogenetic location: 5q22.2.
Variant type: Deletion.
Coding change: c.2587_2589del on transcript NM_000038.6 (MANE Select); coding-DNA positions 2587 to 2589, 3 bases deleted (TAC; older notation c.2587_2589delTAC).
Protein change: p.Tyr863del; deletes tyrosine 863.
Molecular consequence: inframe deletion.
Genome position (GRCh38, 1-based): chr5:112,838,181-112,838,183, TAC deleted; deleting any 3 consecutive bases within chr5:112,838,179-112,838,183 gives the same sequence; the c. name uses the placement nearest the transcript's 3' end. VCF-style (leftmost placement, unchanged base first): chr5-112838178-AACT-A. GRCh37 (hg19) VCF-style: chr5-112173875-AACT-A.
Other names: c.2587_2589del, p.Tyr863del (NM_001127510.3, NM_001354895.2); c.2512_2514del, p.Tyr838del (NM_001354898.2); c.2503_2505del, p.Tyr835del (NM_001354899.2); c.2641_2643del, p.Tyr881del (NM_001354896.2); c.2533_2535del, p.Tyr845del (NM_001127511.3); c.2617_2619del, p.Tyr873del (NM_001354897.2); c.2464_2466del, p.Tyr822del (NM_001354900.2); c.2410_2412del, p.Tyr804del (NM_001354901.2); and 6 more; short protein forms Y845del, Y863del, Y580del, Y703del, Y762del, Y737del, Y772del, Y822del.
Identifiers: ClinVar variation 485149 (VCV000485149.16), dbSNP rs1554084281, ClinGen allele CA562217604.
Genomic context (GRCh38, chr5:112,838,178, plus strand): 5'-GATAGTTCTCGTTCTGAAAAAGATAGAAGTTTGGAGAGAGAACGCGGAATTGGTCTAGGC[AACT>A]ACCATCCAGCAACAGAAAATCCAGGAACTTCTTCAAAGCGAGGTTTGCAGATCTCCACCA-3'

ClinVar aggregate classification (germline): Conflicting classifications of pathogenicity. Review status: criteria provided, conflicting classifications (1 of 4 stars). 5 submissions from 5 submitters: Uncertain significance (4); Likely benign (1). Last evaluated 2025-10-11.

Conditions:
Familial adenomatous polyposis 1 (FAP1). Also called: FAMILIAL ADENOMATOUS POLYPOSIS 1, ATTENUATED; POLYPOSIS, ADENOMATOUS INTESTINAL. Identifiers: MedGen C2713442, MONDO:0021056, OMIM 175100. Disease mechanism: loss of function.
Hereditary cancer-predisposing syndrome. Also called: Neoplastic Syndromes, Hereditary; Tumor predisposition; Hereditary Cancer Syndrome; Hereditary neoplastic syndrome. Identifiers: Orphanet 140162, MedGen C0027672, MeSH D009386, MONDO:0015356.

Submissions (5):

Labcorp Genetics (formerly Invitae), Labcorp
Classification: Uncertain significance for Familial adenomatous polyposis 1. Last evaluated: 2025-10-11. Review status: criteria provided, single submitter. Criteria: Invitae Variant Classification Sherloc (09022015). Collection method: clinical testing. Allele origin: germline.
Comment: This variant, c.2587_2589del, results in the deletion of 1 amino acid(s) of the APC protein (p.Tyr863del), but otherwise preserves the integrity of the reading frame. This variant is present in population databases (no rsID available, gnomAD 0.009%). This variant has not been reported in the literature in individuals affected with APC-related conditions. ClinVar contains an entry for this variant (Variation ID: 485149). Experimental studies and prediction algorithms are not available or were not evaluated, and the functional significance of this variant is currently unknown. In summary, the available evidence is currently insufficient to determine the role of this variant in disease. Therefore, it has been classified as a Variant of Uncertain Significance.

Quest Diagnostics Nichols Institute San Juan Capistrano
Classification: Uncertain significance. Last evaluated: 2025-05-23. Review status: criteria provided, single submitter. Criteria: Quest Diagnostics criteria. Collection method: clinical testing. Allele origin: unknown.
Comment: The APC c.2587_2589del (p.Tyr863del) variant has not been reported in individuals with APC-related conditions in the published literature. The frequency of this variant in the general population (Genome Aggregation Database) is higher than would generally be expected for pathogenic variants in this gene. Based on the available information, we are unable to determine the clinical significance of this variant.

Baylor Genetics
Classification: Uncertain significance for Familial adenomatous polyposis 1. Last evaluated: 2024-03-06. Review status: criteria provided, single submitter. Criteria: ACMG Guidelines, 2015. Collection method: clinical testing. Allele origin: unknown.

Ambry Genetics
Classification: Likely benign for Hereditary cancer-predisposing syndrome. Last evaluated: 2022-10-22. Review status: criteria provided, single submitter. Criteria: Ambry Variant Classification Scheme 2023. Collection method: clinical testing. Allele origin: germline.

Color Diagnostics, LLC DBA Color Health
Classification: Uncertain significance for Hereditary cancer-predisposing syndrome. Last evaluated: 2019-03-16. Review status: criteria provided, single submitter. Criteria: ACMG Guidelines, 2015. Collection method: clinical testing. Allele origin: germline.